The following is an entry in ClinVar:

ClinVar aggregate classification (germline): Likely benign (1 of 4 stars; one submission).

Conditions:
BFSP2-related disorder. Also called: BFSP2-related condition.

gnomAD v4.1: 2 of 1,614,136 alleles (0.00012%); highest among the groups gnomAD compares: Admixed American, 0.0033%; no homozygotes.

Submission:

PreventionGenetics, part of Exact Sciences
Classification: Likely benign for BFSP2-related condition. Last evaluated: 2025-07-09. Review status: criteria provided, single submitter. Criteria: ACMG Guidelines, 2015. Collection method: clinical testing. Allele origin: germline.
Comment: This variant is classified as likely benign based on ACMG/AMP sequence variant interpretation guidelines (Richards et al. 2015 PMID: 25741868, with internal and published modifications).

NM_003571.4(BFSP2):c.*4A>G

Genes: BFSP2 (beaded filament structural protein 2; plus strand), BFSP2-AS1 (BFSP2 antisense RNA 1; minus strand). Cytogenetic location: 3q22.1.
Variant type: single nucleotide variant.
Coding change: c.*4A>G on transcript NM_003571.4 (MANE Select); 4 bases downstream of the stop codon, A replaced by G.
Molecular consequence: 3 prime UTR variant.
Genome position (GRCh38, 1-based): chr3:133,474,976, A>G. VCF-style: chr3-133474976-A-G. GRCh37 (hg19) VCF-style: chr3-133193820-A-G.
Identifiers: ClinVar variation 4981317 (VCV004981317.1).